The following is an entry in ClinVar:

ClinVar aggregate classification (germline): Uncertain significance (1 of 4 stars; one submission).

Conditions:
Hereditary cancer-predisposing syndrome. Also called: Hereditary neoplastic syndrome; Neoplastic Syndromes, Hereditary; Tumor predisposition; Hereditary Cancer Syndrome. Identifiers: Orphanet 140162, MedGen C0027672, MeSH D009386, MONDO:0015356.

Submission:

Ambry Genetics
Classification: Uncertain significance for Hereditary cancer-predisposing syndrome. Last evaluated: 2025-07-18. Review status: criteria provided, single submitter. Criteria: Ambry Variant Classification Scheme 2023. Collection method: clinical testing. Allele origin: germline.
Comment: The p.F81L variant (also known as c.243T>A), located in coding exon 3 of the POT1 gene, results from a T to A substitution at nucleotide position 243. The phenylalanine at codon 81 is replaced by leucine, an amino acid with highly similar properties. This amino acid position is conserved. In addition, this alteration is predicted to be tolerated by in silico analysis. Based on the available evidence, the clinical significance of this variant remains unclear.

NM_015450.3(POT1):c.243T>A (p.Phe81Leu)

Gene: POT1 (protection of telomeres 1; minus strand). Cytogenetic location: 7q31.33.
Variant type: single nucleotide variant.
Coding change: c.243T>A on transcript NM_015450.3 (MANE Select); coding-DNA position 243, T replaced by A.
Protein change: p.Phe81Leu; replaces phenylalanine 81 with leucine.
Molecular consequence: missense variant. On other transcripts: non-coding transcript variant (3), intron variant (1).
Genome position (GRCh38, 1-based): chr7:124,870,923, A>T on the plus strand (T>A on the coding strand, the complement: POT1 is on the minus strand). VCF-style: chr7-124870923-A-T. GRCh37 (hg19) VCF-style: chr7-124510977-A-T.
Other names: c.-138-7283T>A (NM_001042594.2); short protein forms F81L.
Identifiers: ClinVar variation 4141937 (VCV004141937.1).